The following is an entry in ClinVar:

ClinVar aggregate classification (germline): Uncertain significance (1 of 4 stars; one submission).

Submission:

CeGaT Center for Human Genetics Tuebingen
Classification: Uncertain significance. Last evaluated: 2025-02-01. Review status: criteria provided, single submitter. Criteria: CeGaT Center For Human Genetics Tuebingen Variant Classification Criteria Version 2. Collection method: clinical testing. Allele origin: germline. Affected: yes. Observed: 1 variant allele.
Comment: MYH7: PM2, PM4:Supporting

NM_000257.4(MYH7):c.3652_3654del (p.Glu1218del)

Gene: MYH7 (myosin heavy chain 7; minus strand). Cytogenetic location: 14q11.2.
Variant type: Deletion.
Coding change: c.3652_3654del on transcript NM_000257.4 (MANE Select); coding-DNA positions 3652 to 3654, 3 bases deleted (GAG; older notation c.3652_3654delGAG).
Protein change: p.Glu1218del; deletes glutamic acid 1218.
Genome position (GRCh38, 1-based): chr14:23,419,917-23,419,919, CTC deleted on the plus strand (GAG on the coding strand, the reverse complement: MYH7 is on the minus strand); deleting any 3 consecutive bases within chr14:23,419,917-23,419,920 gives the same sequence; the c. name uses the placement nearest the transcript's 3' end. VCF-style (leftmost placement, unchanged base first): chr14-23419916-TCTC-T. GRCh37 (hg19) VCF-style: chr14-23889125-TCTC-T.
Other names: c.3652_3654del, p.Glu1218del (NM_001407004.1); short protein forms E1218del.
Identifiers: ClinVar variation 3772541 (VCV003772541.13).